The following is an entry in ClinVar:

ClinVar aggregate classification (germline): Uncertain significance (1 of 4 stars; one submission).

Conditions:
Epilepsy, idiopathic generalized, susceptibility to, 10. Identifiers: MedGen C2751603, MONDO:0013103, OMIM 613060.

Submission:

Laboratorio de Genetica e Diagnostico Molecular, Hospital Israelita Albert Einstein
Classification: Uncertain significance for Epilepsy, idiopathic generalized, susceptibility to, 10. Last evaluated: 2022-12-22. Review status: criteria provided, single submitter. Criteria: ACMG Guidelines, 2015. Collection method: clinical testing. Allele origin: germline. Affected: yes.
Comment: ACMG classification criteria: PM2 moderated

NM_000815.5(GABRD):c.933C>A (p.Asp311Glu)

Gene: GABRD (gamma-aminobutyric acid type A receptor subunit delta; plus strand). Cytogenetic location: 1p36.33.
Variant type: single nucleotide variant.
Coding change: c.933C>A on transcript NM_000815.5 (MANE Select); coding-DNA position 933, C replaced by A.
Protein change: p.Asp311Glu; replaces aspartic acid 311 with glutamic acid.
Molecular consequence: missense variant.
Genome position (GRCh38, 1-based): chr1:2,029,636, C>A. VCF-style: chr1-2029636-C-A. GRCh37 (hg19) VCF-style: chr1-1961075-C-A.
Other names: short protein forms D311E.
Identifiers: ClinVar variation 2431947 (VCV002431947.2), dbSNP rs200124298, ClinGen allele CA337960069.
Genomic context (GRCh38, chr1:2,029,636, plus strand): 5'-CACGCTCATGGTCAGTGCCCGCTCCTCCCTGCCACGGGCATCAGCCATCAAGGCACTGGA[C>A]GTCTACTTCTGGATCTGCTATGTCTTCGTGTTTGCCGCCCTGGTGGAGTACGCCTTTGCT-3'
Protein context (NP_000806.2, residues 301-321): LPRASAIKAL[Asp311Glu]VYFWICYVFV